The following is an entry in ClinVar:

ClinVar aggregate classification (germline): Uncertain significance (1 of 4 stars; one submission).

Allele frequency attached by ClinVar (database versions not stated): gnomAD exomes 0.00001; TOPMed 0.00001.
gnomAD v4.1: 14 of 1,614,098 alleles (0.00087%); highest among the groups gnomAD compares: Non-Finnish European, 0.0012%; no homozygotes.

Submission:

Labcorp Genetics (formerly Invitae), Labcorp
Classification: Uncertain significance. Last evaluated: 2025-05-13. Review status: criteria provided, single submitter. Criteria: Invitae Variant Classification Sherloc (09022015). Collection method: clinical testing. Allele origin: germline.
Comment: This sequence change replaces glutamic acid, which is acidic and polar, with alanine, which is neutral and non-polar, at codon 394 of the HYOU1 protein (p.Glu394Ala). This variant is not present in population databases (gnomAD no frequency). This variant has not been reported in the literature in individuals affected with HYOU1-related conditions. ClinVar contains an entry for this variant (Variation ID: 1923841). An algorithm developed to predict the effect of missense changes on protein structure and function (PolyPhen-2) suggests that this variant is likely to be tolerated. In summary, the available evidence is currently insufficient to determine the role of this variant in disease. Therefore, it has been classified as a Variant of Uncertain Significance.

NM_006389.5(HYOU1):c.1181A>C (p.Glu394Ala)

Genes: HYOU1 (hypoxia up-regulated 1; minus strand), LOC130006884 (ATAC-STARR-seq lymphoblastoid active region 5617; plus strand). Cytogenetic location: 11q23.3.
Variant type: single nucleotide variant.
Coding change: c.1181A>C on transcript NM_006389.5 (MANE Select); coding-DNA position 1181, A replaced by C.
Protein change: p.Glu394Ala; replaces glutamic acid 394 with alanine.
Molecular consequence: missense variant.
Genome position (GRCh38, 1-based): chr11:119,052,114, T>G on the plus strand (A>C on the coding strand, the complement: HYOU1 is on the minus strand). VCF-style: chr11-119052114-T-G. GRCh37 (hg19) VCF-style: chr11-118922826-T-G.
Other names: c.1181A>C, p.Glu394Ala (NM_001130991.3, NM_001411041.1); short protein forms E394A.
Identifiers: ClinVar variation 1923841 (VCV001923841.5), dbSNP rs138471161, ClinGen allele CA229622843.
Genomic context (GRCh38, chr11:119,052,114, plus strand): 5'-CAGAACTCAGCCAAGCGCTCTAGCCCCCACACTCACTTGCCCACGGCCTTCAGCAGCACC[T>G]CCTGAACTCTGGGGACCCGAGTGGCCCCACCCACCAGGATCACCTGCTCAATCTCATCCT-3'
Protein context (NP_006380.1, residues 384-404): GGATRVPRVQ[Glu394Ala]VLLKAVGKEE